The following is an entry in ClinVar:

NM_052945.4(TNFRSF13C):c.133C>T (p.Pro45Ser)

Genes: TNFRSF13C (TNF receptor superfamily member 13C; minus strand), LOC130067574 (ATAC-STARR-seq lymphoblastoid silent region 13813; plus strand). Cytogenetic location: 22q13.2.
Variant type: single nucleotide variant.
Coding change: c.133C>T on transcript NM_052945.4 (MANE Select); coding-DNA position 133, C replaced by T.
Protein change: p.Pro45Ser; replaces proline 45 with serine.
Molecular consequence: missense variant.
Genome position (GRCh38, 1-based): chr22:41,926,641, G>A on the plus strand (C>T on the coding strand, the complement: TNFRSF13C is on the minus strand). VCF-style: chr22-41926641-G-A. GRCh37 (hg19) VCF-style: chr22-42322645-G-A.
Other names: short protein forms P45S.
Identifiers: ClinVar variation 4719799 (VCV004719799.1).

ClinVar aggregate classification (germline): Uncertain significance (1 of 4 stars; one submission).

Conditions:
Immunodeficiency, common variable, 4. Also called: ANTIBODY DEFICIENCY DUE TO BAFFR DEFECT. Identifiers: Orphanet 1572, Orphanet 696925, MedGen C3150739, MONDO:0013284, OMIM 613494.

Submission:

Labcorp Genetics (formerly Invitae), Labcorp
Classification: Uncertain significance for Immunodeficiency, common variable, 4. Last evaluated: 2025-05-30. Review status: criteria provided, single submitter. Criteria: Invitae Variant Classification Sherloc (09022015). Collection method: clinical testing. Allele origin: germline.
Comment: This sequence change replaces proline, which is neutral and non-polar, with serine, which is neutral and polar, at codon 45 of the TNFRSF13C protein (p.Pro45Ser). This variant is not present in population databases (gnomAD no frequency). This variant has not been reported in the literature in individuals affected with TNFRSF13C-related conditions. An algorithm developed to predict the effect of missense changes on protein structure and function (PolyPhen-2) suggests that this variant is likely to be tolerated. In summary, the available evidence is currently insufficient to determine the role of this variant in disease. Therefore, it has been classified as a Variant of Uncertain Significance.